The following is an entry in ClinVar:

NM_000089.4(COL1A2):c.279+1G>C

Gene: COL1A2 (collagen type I alpha 2 chain; plus strand). Cytogenetic location: 7q21.3.
Variant type: single nucleotide variant.
Coding change: c.279+1G>C on transcript NM_000089.4 (MANE Select); the canonical splice donor site of the intron after coding-DNA position 279, G replaced by C.
Molecular consequence: splice donor variant.
Genome position (GRCh38, 1-based): chr7:94,401,621, G>C. VCF-style: chr7-94401621-G-C. GRCh37 (hg19) VCF-style: chr7-94030933-G-C.
Identifiers: ClinVar variation 4534626 (VCV004534626.7).
Genomic context (GRCh38, chr7:94,401,621, plus strand): 5'-CTCTAGAACTTTGCTGCTCAGTATGATGGAAAAGGAGTTGGACTTGGCCCTGGACCAATG[G>C]TATGCTTATCTGTTTATCTTAGCCAAAAAAATTGCTAAATAAATCATTCATTTTATGTCA-3'

ClinVar aggregate classification (germline): Pathogenic. Review status: criteria provided, multiple submitters, no conflicts (2 of 4 stars). 2 submissions from 2 submitters: Pathogenic (2). Last evaluated 2025-10-01.

Conditions:
Ehlers-Danlos syndrome, classic type, 1 (EDSCL1). Also called: EHLERS-DANLOS SYNDROME, GRAVIS TYPE; EHLERS-DANLOS SYNDROME, SEVERE CLASSIC TYPE; Ehlers-Danlos syndrome, type 1; Ehlers-Danlos Syndrome, Classic Type, COL5A1-Related; EDS I. Identifiers: MedGen C0268335, MONDO:0019567, OMIM 130000.
Osteogenesis imperfecta type I (OI1). Also called: OI, TYPE I; OSTEOGENESIS IMPERFECTA TARDA; OSTEOGENESIS IMPERFECTA WITH BLUE SCLERAE; Osteogenesis imperfecta type 1; Lobstein's Disease; Lobstein disease. Identifiers: Orphanet 216796, Orphanet 666, MedGen C0023931, MONDO:0008146, OMIM 166200. Disease mechanism: loss of function.

Submissions (2):

CeGaT Center for Human Genetics Tuebingen
Classification: Pathogenic. Last evaluated: 2025-10-01. Review status: criteria provided, single submitter. Criteria: CeGaT Center For Human Genetics Tuebingen Variant Classification Criteria Version 2. Collection method: clinical testing. Allele origin: germline. Affected: yes. Observed: 1 variant allele.
Comment: COL1A2: PS1, PM2, PS2:Moderate, PVS1:Moderate, PS4:Supporting

Labcorp Genetics (formerly Invitae), Labcorp
Classification: Pathogenic for Osteogenesis imperfecta type I; Ehlers-Danlos syndrome, classic type, 1. Last evaluated: 2025-04-11. Review status: criteria provided, single submitter. Criteria: Invitae Variant Classification Sherloc (09022015). Collection method: clinical testing. Allele origin: germline.
Comment: This sequence change affects a donor splice site in intron 6 of the COL1A2 gene. It is expected to disrupt RNA splicing. Variants that disrupt the donor or acceptor splice site typically lead to a loss of protein function (PMID: 16199547), and loss-of-function variants in COL1A2 are known to be disease-causing for autosomal recessive COL1A2-related conditions (PMID: 15077201, 11288717). However, certain variants affecting donor or acceptor splice sites in the triple helical domain of COL1A2 are expected to result in in-frame exon skipping and have been reported to cause autosomal dominant COL1A2-related conditions (PMID: 17078022, 9295084). This variant is not present in population databases (gnomAD no frequency). Disruption of this splice site has been observed in individual(s) with autosomal dominant Ehlers-Danlos syndrome, arthrochalasia type (PMID: 2394758, 9295084, 21801164, 24440294, 32091183, 37079061). In at least one individual the variant was observed to be de novo. It has also been observed to segregate with disease in related individuals. Studies have shown that disruption of this splice site results in skipping of exon 6, but is expected to preserve the integrity of the reading-frame (PMID: 2394758, 9295084). For these reasons, this variant has been classified as Pathogenic.

Literature cited by the submitters: PubMed 16199547 (cited by Labcorp Genetics (formerly Invitae), Labcorp); PubMed 15077201 (cited by Labcorp Genetics (formerly Invitae), Labcorp); PubMed 11288717 (cited by Labcorp Genetics (formerly Invitae), Labcorp); PubMed 17078022 (cited by Labcorp Genetics (formerly Invitae), Labcorp); PubMed 9295084 (cited by Labcorp Genetics (formerly Invitae), Labcorp); PubMed 2394758 (cited by Labcorp Genetics (formerly Invitae), Labcorp); PubMed 21801164 (cited by Labcorp Genetics (formerly Invitae), Labcorp); PubMed 24440294 (cited by Labcorp Genetics (formerly Invitae), Labcorp); PubMed 32091183 (cited by Labcorp Genetics (formerly Invitae), Labcorp); PubMed 37079061 (cited by Labcorp Genetics (formerly Invitae), Labcorp).